The following is an entry in ClinVar:

NM_001853.4(COL9A3):c.1378G>T (p.Gly460Cys)

Genes: COL9A3 (collagen type IX alpha 3 chain; plus strand), LOC126863084 (MED14-independent group 3 enhancer GRCh37_chr20:61467141-61468340; plus strand). Cytogenetic location: 20q13.33.
Variant type: single nucleotide variant.
Coding change: c.1378G>T on transcript NM_001853.4 (MANE Select); coding-DNA position 1378, G replaced by T.
Protein change: p.Gly460Cys; replaces glycine 460 with cysteine.
Molecular consequence: missense variant.
Genome position (GRCh38, 1-based): chr20:62,835,930, G>T. VCF-style: chr20-62835930-G-T. GRCh37 (hg19) VCF-style: chr20-61467282-G-T.
Other names: c.1378G>T (NM_001853.3); short protein forms G460C.
Identifiers: ClinVar variation 1436529 (VCV001436529.12), dbSNP rs148610956, ClinGen allele CA317342466.

ClinVar aggregate classification (germline): Uncertain significance. Review status: criteria provided, multiple submitters, no conflicts (2 of 4 stars). 3 submissions from 3 submitters: Uncertain significance (3). Last evaluated 2025-06-29.

gnomAD v4.1: 4 of 1,614,058 alleles (0.00025%); highest among the groups gnomAD compares: Non-Finnish European, 0.00034%; no homozygotes.

Submissions (3):

Labcorp Genetics (formerly Invitae), Labcorp
Classification: Uncertain significance. Last evaluated: 2025-06-29. Review status: criteria provided, single submitter. Criteria: Invitae Variant Classification Sherloc (09022015). Collection method: clinical testing. Allele origin: germline.
Comment: This sequence change replaces glycine, which is neutral and non-polar, with cysteine, which is neutral and slightly polar, at codon 460 of the COL9A3 protein (p.Gly460Cys). This variant is not present in population databases (gnomAD no frequency). This variant has not been reported in the literature in individuals affected with COL9A3-related conditions. ClinVar contains an entry for this variant (Variation ID: 1436529). Invitae Evidence Modeling of protein sequence and biophysical properties (such as structural, functional, and spatial information, amino acid conservation, physicochemical variation, residue mobility, and thermodynamic stability) indicates that this missense variant is expected to disrupt COL9A3 protein function with a positive predictive value of 95%. In summary, the available evidence is currently insufficient to determine the role of this variant in disease. Therefore, it has been classified as a Variant of Uncertain Significance.

Blueprint Genetics
Classification: Uncertain significance. Last evaluated: 2022-06-15. Review status: criteria provided, single submitter. Criteria: ACMG Guidelines, 2015. Collection method: clinical testing. Allele origin: germline.

Revvity Omics, Revvity
Classification: Uncertain significance. Last evaluated: 2020-12-03. Review status: criteria provided, single submitter. Criteria: ACMG Guidelines, 2015. Collection method: clinical testing. Allele origin: germline.